The following is an entry in ClinVar:

NM_004859.4(CLTC):c.3056G>T (p.Ser1019Ile)

Gene: CLTC (clathrin heavy chain; plus strand). Cytogenetic location: 17q23.1.
Variant type: single nucleotide variant.
Coding change: c.3056G>T on transcript NM_004859.4 (MANE Select); coding-DNA position 3056, G replaced by T.
Protein change: p.Ser1019Ile; replaces serine 1019 with isoleucine.
Molecular consequence: missense variant.
Genome position (GRCh38, 1-based): chr17:59,681,048, G>T. VCF-style: chr17-59681048-G-T. GRCh37 (hg19) VCF-style: chr17-57758409-G-T.
Other names: c.3068G>T, p.Ser1023Ile (NM_001288653.2); short protein forms S1019I, S1023I.
Identifiers: ClinVar variation 4279800 (VCV004279800.1).

ClinVar aggregate classification (germline): Uncertain significance (1 of 4 stars; one submission).

Conditions:
Intellectual developmental disorder, autosomal dominant 56. Also called: MENTAL RETARDATION, AUTOSOMAL DOMINANT 56; Intellectual disability, autosomal dominant 56. Identifiers: MedGen C4693389, MONDO:0030922, OMIM 617854.

Submission:

Clinical Genomics Laboratory, Washington University in St. Louis
Classification: Uncertain significance for Intellectual developmental disorder, autosomal dominant 56. Last evaluated: 2025-06-06. Review status: criteria provided, single submitter. Criteria: ACMG Guidelines, 2015. Collection method: clinical testing. Allele origin: germline.
Comment: The CLTC c.3056G>T (p.Ser1019Ile) variant, to our knowledge, has not been reported in the medical literature. This variant is absent from the general population (gnomAD v.2.1.1), indicating it is not a common variant. Computational predictors are uncertain as to the impact of this variant on CLTC function. Due to limited information, and based on ACMG/AMP guidelines for variant interpretation (Richards S et al., PMID: 25741868), the clinical significance of this variant is uncertain at this time.